The following is an entry in ClinVar:

NM_021096.4(CACNA1I):c.6438C>T (p.Gly2146=)

Gene: CACNA1I (calcium voltage-gated channel subunit alpha1 I; plus strand). Cytogenetic location: 22q13.1.
Variant type: single nucleotide variant.
Coding change: c.6438C>T on transcript NM_021096.4 (MANE Select); coding-DNA position 6438, C replaced by T.
Protein change: p.Gly2146=; no amino-acid change (glycine 2146 retained).
Molecular consequence: synonymous variant.
Genome position (GRCh38, 1-based): chr22:39,686,171, C>T. VCF-style: chr22-39686171-C-T. GRCh37 (hg19) VCF-style: chr22-40082176-C-T.
Other names: c.6333C>T, p.Gly2111= (NM_001003406.2).
Identifiers: ClinVar variation 5039905 (VCV005039905.1).

ClinVar aggregate classification (germline): Likely benign (1 of 4 stars; one submission).

gnomAD v4.1: 35 of 1,288,738 alleles (0.0027%); highest among the groups gnomAD compares: Admixed American, 0.11%; 1 homozygote.

Submission:

CeGaT Center for Human Genetics Tuebingen
Classification: Likely benign. Last evaluated: 2026-08-01. Review status: criteria provided, single submitter. Criteria: CeGaT Center For Human Genetics Tuebingen Variant Classification Criteria Version 2. Collection method: clinical testing. Allele origin: germline. Affected: yes. Observed: 1 variant allele.
Comment: CACNA1I: BP4, BP7